The following is an entry in ClinVar:

NM_001927.4(DES):c.802C>G (p.Pro268Ala)

Gene: DES (desmin; plus strand). Cytogenetic location: 2q35.
Variant type: single nucleotide variant.
Coding change: c.802C>G on transcript NM_001927.4 (MANE Select); coding-DNA position 802, C replaced by G.
Protein change: p.Pro268Ala; replaces proline 268 with alanine.
Molecular consequence: missense variant.
Genome position (GRCh38, 1-based): chr2:219,420,561, C>G. VCF-style: chr2-219420561-C-G. GRCh37 (hg19) VCF-style: chr2-220285283-C-G.
Other names: c.802C>G (LRG_380t1); short protein forms P268A.
Identifiers: ClinVar variation 474293 (VCV000474293.16), dbSNP rs1434613160, ClinGen allele CA350691192.
Genomic context (GRCh38, chr2:219,420,561, plus strand): 5'-CGTGAGTTGCAGGCTCAGCTTCAGGAACAGCAGGTCCAGGTGGAGATGGACATGTCTAAG[C>G]CAGACCTCACTGCCGCCCTCAGGGACATCCGGGCTCAGTATGAGACCATCGCGGCTAAGA-3'
Protein context (NP_001918.3, residues 258-278): QVQVEMDMSK[Pro268Ala]DLTAALRDIR

ClinVar aggregate classification (germline): Uncertain significance. Review status: criteria provided, single submitter (1 of 4 stars). 4 submissions from 4 submitters: Uncertain significance (1). 3 of the submissions do not count toward it. Last evaluated 2025-03-26.

Conditions:
Desmin-related myofibrillar myopathy (MFM1). Also called: Desminopathy; Desmin related myopathy (former name); Desmin storage myopathy (former name); Myofibrillar myopathy 1; MYOFIBRILLAR MYOPATHY WITH ARRHYTHMOGENIC RIGHT VENTRICULAR CARDIOMYOPATHY; DESMIN-RELATED MYOPATHY WITH ARRHYTHMOGENIC RIGHT VENTRICULAR CARDIOMYOPATHY. Identifiers: Orphanet 363543, Orphanet 98909, MedGen C1832370, MONDO:0011076, OMIM 601419.

Allele frequency attached by ClinVar (database versions not stated): TOPMed below 0.00001.

Submissions (4):

Labcorp Genetics (formerly Invitae), Labcorp
Classification: Uncertain significance for Desmin-related myofibrillar myopathy. Last evaluated: 2025-03-26. Review status: criteria provided, single submitter. Criteria: Invitae Variant Classification Sherloc (09022015). Collection method: clinical testing. Allele origin: germline.
Comment: This sequence change replaces proline, which is neutral and non-polar, with alanine, which is neutral and non-polar, at codon 268 of the DES protein (p.Pro268Ala). This variant is not present in population databases (gnomAD no frequency). This variant has not been reported in the literature in individuals affected with DES-related conditions. ClinVar contains an entry for this variant (Variation ID: 474293). Invitae Evidence Modeling of protein sequence and biophysical properties (such as structural, functional, and spatial information, amino acid conservation, physicochemical variation, residue mobility, and thermodynamic stability) has been performed for this missense variant. However, the output from this modeling did not meet the statistical confidence thresholds required to predict the impact of this variant on DES protein function. In summary, the available evidence is currently insufficient to determine the role of this variant in disease. Therefore, it has been classified as a Variant of Uncertain Significance.

Clinical Genetics, Academic Medical Center
Classification: Uncertain significance. Review status: no assertion criteria provided. Collection method: clinical testing. Allele origin: germline. Affected: yes. Study: VKGL Data-share Consensus. Not counted in ClinVar's aggregate classification.

Diagnostic Laboratory, Department of Genetics, University Medical Center Groningen
Classification: Uncertain significance. Review status: no assertion criteria provided. Collection method: clinical testing. Allele origin: germline. Affected: yes. Study: VKGL Data-share Consensus. Not counted in ClinVar's aggregate classification.

Genome Diagnostics Laboratory, University Medical Center Utrecht
Classification: Uncertain significance. Review status: no assertion criteria provided. Collection method: clinical testing. Allele origin: germline. Affected: yes. Study: VKGL Data-share Consensus. Not counted in ClinVar's aggregate classification.